The following is an entry in ClinVar:

NM_012108.4(STAP1):c.575A>G (p.Gln192Arg)

Gene: STAP1 (signal transducing adaptor family member 1; plus strand). Cytogenetic location: 4q13.2.
Variant type: single nucleotide variant.
Coding change: c.575A>G on transcript NM_012108.4 (MANE Select); coding-DNA position 575, A replaced by G.
Protein change: p.Gln192Arg; replaces glutamine 192 with arginine.
Molecular consequence: missense variant.
Genome position (GRCh38, 1-based): chr4:67,583,618, A>G. VCF-style: chr4-67583618-A-G. GRCh37 (hg19) VCF-style: chr4-68449336-A-G.
Other names: c.575A>G, p.Gln192Arg (NM_001317769.2); short protein forms Q192R.
Identifiers: ClinVar variation 4590310 (VCV004590310.2).

ClinVar aggregate classification (germline): Uncertain significance. Review status: criteria provided, multiple submitters, no conflicts (2 of 4 stars). 2 submissions from 2 submitters: Uncertain significance (2). Last evaluated 2025-10-17.

Conditions:
STAP1-related disorder. Also called: STAP1-related condition.

Submissions (2):

Ambry Genetics
Classification: Uncertain significance. Last evaluated: 2025-10-17. Review status: criteria provided, single submitter. Criteria: Ambry Variant Classification Scheme 2023. Collection method: clinical testing. Allele origin: germline.

3billion
Classification: Uncertain significance for STAP1-related disorder. Last evaluated: 2025-08-30. Review status: criteria provided, single submitter. Criteria: ACMG Guidelines, 2015. Collection method: clinical testing. Allele origin: germline. Affected: yes.
Comment: The variant is not observed in the gnomAD v4.1.0 dataset. Predicted Consequence/Location: Missense variant Damaging effect on gene or gene product predicted by in silico programs is uncertain [REVEL: 0.41 (damaging >=0.6, benign <0.4), 3Cnet: 0.13 (damaging >0.75, benign <0.1)]. Therefore, this variant is classified as VUS according to the recommendation of ACMG/AMP guideline.